The following is an entry in ClinVar:

ClinVar aggregate classification (germline): Uncertain significance (1 of 4 stars; one submission).

gnomAD v4.1: 10 of 1,612,210 alleles (0.00062%); highest among the groups gnomAD compares: Admixed American, 0.0017%; no homozygotes.

Submission:

Labcorp Genetics (formerly Invitae), Labcorp
Classification: Uncertain significance. Last evaluated: 2026-01-09. Review status: criteria provided, single submitter. Criteria: Invitae Variant Classification Sherloc (09022015). Collection method: clinical testing. Allele origin: germline.
Comment: This sequence change replaces arginine, which is basic and polar, with tryptophan, which is neutral and slightly polar, at codon 206 of the SUCLG2 protein (p.Arg206Trp). This variant is not present in population databases (gnomAD no frequency). This variant has not been reported in the literature in individuals affected with SUCLG2-related conditions. An algorithm developed to predict the effect of missense changes on protein structure and function (PolyPhen-2) suggests that this variant is likely to be tolerated. In summary, the available evidence is currently insufficient to determine the role of this variant in disease. Therefore, it has been classified as a Variant of Uncertain Significance.

NM_003848.4(SUCLG2):c.616C>T (p.Arg206Trp)

Gene: SUCLG2 (succinate-CoA ligase GDP-forming subunit beta; minus strand). Cytogenetic location: 3p14.1.
Variant type: single nucleotide variant.
Coding change: c.616C>T on transcript NM_003848.4 (MANE Select); coding-DNA position 616, C replaced by T.
Protein change: p.Arg206Trp; replaces arginine 206 with tryptophan.
Molecular consequence: missense variant.
Genome position (GRCh38, 1-based): chr3:67,518,291, G>A on the plus strand (C>T on the coding strand, the complement: SUCLG2 is on the minus strand). VCF-style: chr3-67518291-G-A. GRCh37 (hg19) VCF-style: chr3-67568715-G-A.
Other names: c.616C>T, p.Arg206Trp (NM_001177599.2); short protein forms R206W.
Identifiers: ClinVar variation 4700760 (VCV004700760.1).